The following is an entry in ClinVar:

NM_000059.4(BRCA2):c.7553T>G (p.Leu2518Arg)

Gene: BRCA2 (BRCA2 DNA repair associated; plus strand). Cytogenetic location: 13q13.1.
Variant type: single nucleotide variant.
Coding change: c.7553T>G on transcript NM_000059.4 (MANE Select); coding-DNA position 7553, T replaced by G.
Protein change: p.Leu2518Arg; replaces leucine 2518 with arginine.
Molecular consequence: missense variant.
Genome position (GRCh38, 1-based): chr13:32,356,545, T>G. VCF-style: chr13-32356545-T-G. GRCh37 (hg19) VCF-style: chr13-32930682-T-G.
Other names: short protein forms L2518R.
Identifiers: ClinVar variation 630183 (VCV000630183.6), dbSNP rs1566242089, ClinGen allele CA387743700.
Genomic context (GRCh38, chr13:32,356,545, plus strand): 5'-AACAAAGGCAACGCGTCTTTCCACAGCCAGGCAGTCTGTATCTTGCAAAAACATCCACTC[T>G]GCCTCGAATCTCTCTGAAAGCAGCAGTAGGAGGCCAAGTTCCCTCTGCGTGTTCTCATAA-3'
Protein context (NP_000050.3, residues 2508-2528): GSLYLAKTST[Leu2518Arg]PRISLKAAVG

ClinVar aggregate classification (germline): Conflicting classifications of pathogenicity. Review status: criteria provided, conflicting classifications (1 of 4 stars). 2 submissions from 2 submitters: Uncertain significance (1); Likely benign (1). Last evaluated 2025-06-06.

Conditions:
Hereditary cancer-predisposing syndrome. Also called: Neoplastic Syndromes, Hereditary; Tumor predisposition; Hereditary neoplastic syndrome; Hereditary Cancer Syndrome. Identifiers: Orphanet 140162, MedGen C0027672, MeSH D009386, MONDO:0015356.

Submissions (2):

Ambry Genetics
Classification: Likely benign for Hereditary cancer-predisposing syndrome. Last evaluated: 2025-06-06. Review status: criteria provided, single submitter. Criteria: Ambry Variant Classification Scheme 2023. Collection method: clinical testing. Allele origin: germline.

Color Diagnostics, LLC DBA Color Health
Classification: Uncertain significance for Hereditary cancer-predisposing syndrome. Last evaluated: 2023-12-05. Review status: criteria provided, single submitter. Criteria: ACMG Guidelines, 2015. Collection method: clinical testing. Allele origin: germline.
Comment: This missense variant replaces leucine with arginine at codon 2518 of the BRCA2 protein. Computational prediction suggests that this variant may not impact protein structure and function (internally defined REVEL score threshold <= 0.5, PMID: 27666373). To our knowledge, functional studies have not been reported for this variant. This variant has not been reported in individuals affected with BRCA2-related disorders in the literature. This variant has not been identified in the general population by the Genome Aggregation Database (gnomAD). The available evidence is insufficient to determine the role of this variant in disease conclusively. Therefore, this variant is classified as a Variant of Uncertain Significance.

Literature cited by the submitters: PubMed 39779848 (cited by Ambry Genetics); PubMed 39779857 (cited by Ambry Genetics).